The following is an entry in ClinVar:

NM_002691.4(POLD1):c.1289A>T (p.Asn430Ile)

Gene: POLD1 (DNA polymerase delta 1, catalytic subunit; plus strand). Cytogenetic location: 19q13.33.
Variant type: single nucleotide variant.
Coding change: c.1289A>T on transcript NM_002691.4 (MANE Select); coding-DNA position 1289, A replaced by T.
Protein change: p.Asn430Ile; replaces asparagine 430 with isoleucine.
Molecular consequence: missense variant. On other transcripts: non-coding transcript variant (1).
Genome position (GRCh38, 1-based): chr19:50,406,228, A>T. VCF-style: chr19-50406228-A-T. GRCh37 (hg19) VCF-style: chr19-50909485-A-T.
Other names: c.1289A>T, p.Asn430Ile (NM_001256849.1, NM_001308632.1, NM_001438210.1 and 3 more transcripts); short protein forms N430I.
Identifiers: ClinVar variation 5027011 (VCV005027011.1).

ClinVar aggregate classification (germline): Uncertain significance (1 of 4 stars; one submission).

Conditions:
Hereditary cancer-predisposing syndrome. Also called: Neoplastic Syndromes, Hereditary; Tumor predisposition; Hereditary neoplastic syndrome; Hereditary Cancer Syndrome. Identifiers: Orphanet 140162, MedGen C0027672, MeSH D009386, MONDO:0015356.

Submission:

Ambry Genetics
Classification: Uncertain significance for Hereditary cancer-predisposing syndrome. Last evaluated: 2026-08-27. Review status: criteria provided, single submitter. Criteria: Ambry Variant Classification Scheme 2023. Collection method: clinical testing. Allele origin: germline.
Comment: The p.N430I variant (also known as c.1289A>T), located in coding exon 10 of the POLD1 gene, results from an A to T substitution at nucleotide position 1289. The asparagine at codon 430 is replaced by isoleucine, an amino acid with dissimilar properties. This amino acid position is conserved. In addition, this alteration is predicted to be tolerated by in silico analysis. Based on the available evidence, the clinical significance of this variant remains unclear.